The following is an entry in ClinVar:

NC_000016.9:g.(?_15796991)_(15950886_?)dup

Genes: MYH11 (myosin heavy chain 11; minus strand), NDE1 (nudE neurodevelopment protein 1; plus strand). Cytogenetic location: 16p13.11.
Variant type: Duplication.
Identifiers: ClinVar variation 4525907 (VCV004525907.1).

ClinVar aggregate classification (germline): Uncertain significance (1 of 4 stars; one submission).

Submission:

Women's Health and Genetics/Laboratory Corporation of America, LabCorp
Classification: Uncertain significance. Last evaluated: 2025-07-15. Review status: criteria provided, single submitter. Criteria: LabCorp Variant Classification Summary - May 2015. Collection method: clinical testing. Allele origin: germline.
Comment: Variant summary: The variant involves the duplication of exons 1-43 in the MYH11 gene. This duplication includes the entire coding sequence of the gene. As exact breakpoints are unknown, it may extend beyond the annotated region of the gene, to include other flanking genes. A presumed nomenclature of c.(?_-106)_(*999_?)dup has been designated for the purposes of this classification. The variant was absent in 21692 control chromosomes. The available data on variant occurrences in the general population are insufficient to allow any conclusion about variant significance. Similar duplication has been observed in individual(s) affected with Poland Syndrome (example: Vaccari_2016). These report(s) do not provide unequivocal conclusions about association of the variant with Aortopathy. To our knowledge, no experimental evidence demonstrating an impact on protein function has been reported. The following publication has been ascertained in the context of this evaluation (PMID: 27884122). ClinVar contains an entry for this variant (Variation ID: 1373422). Based on the evidence outlined above, the variant was classified as uncertain significance.

Literature cited by the submitters: PubMed 27884122.